The following is an entry in ClinVar:

ClinVar aggregate classification (germline): Uncertain significance (1 of 4 stars; one submission).

Submission:

GeneDx
Classification: Uncertain significance. Last evaluated: 2022-04-11. Review status: criteria provided, single submitter. Criteria: GeneDx Variant Classification Process June 2021. Collection method: clinical testing. Allele origin: germline. Affected: yes.
Comment: Not observed at significant frequency in large population cohorts (gnomAD); In silico analysis supports that this missense variant has a deleterious effect on protein structure/function; Has not been previously published as pathogenic or benign to our knowledge

NM_006565.4(CTCF):c.1472A>C (p.Asn491Thr)

Gene: CTCF (CCCTC-binding factor; plus strand). Cytogenetic location: 16q22.1.
Variant type: single nucleotide variant.
Coding change: c.1472A>C on transcript NM_006565.4 (MANE Select); coding-DNA position 1472, A replaced by C.
Protein change: p.Asn491Thr; replaces asparagine 491 with threonine.
Molecular consequence: missense variant.
Genome position (GRCh38, 1-based): chr16:67,626,669, A>C. VCF-style: chr16-67626669-A-C. GRCh37 (hg19) VCF-style: chr16-67660572-A-C.
Other names: c.488A>C, p.Asn163Thr (NM_001191022.2); c.1472A>C, p.Asn491Thr (NM_001363916.2); short protein forms N163T, N491T.
Identifiers: ClinVar variation 1710562 (VCV001710562.2), dbSNP rs2543484801, ClinGen allele CA396318282.